The following is an entry in ClinVar:

NM_001458.5(FLNC):c.2999A>C (p.Asp1000Ala)

Gene: FLNC (filamin C; plus strand). Cytogenetic location: 7q32.1.
Variant type: single nucleotide variant.
Coding change: c.2999A>C on transcript NM_001458.5 (MANE Select); coding-DNA position 2999, A replaced by C.
Protein change: p.Asp1000Ala; replaces aspartic acid 1000 with alanine.
Molecular consequence: missense variant.
Genome position (GRCh38, 1-based): chr7:128,844,073, A>C. VCF-style: chr7-128844073-A-C. GRCh37 (hg19) VCF-style: chr7-128484127-A-C.
Other names: c.2999A>C, p.Asp1000Ala (NM_001127487.2); short protein forms D1000A.
Identifiers: ClinVar variation 1421864 (VCV001421864.12), dbSNP rs1457558516, ClinGen allele CA369193891.

ClinVar aggregate classification (germline): Conflicting classifications of pathogenicity. Review status: criteria provided, conflicting classifications (1 of 4 stars). 3 submissions from 3 submitters: Uncertain significance (2); Likely benign (1). Last evaluated 2025-04-14.

Conditions:
FLNC-related disorder. Also called: FLNC-related condition; FLNC-related disorders.
Distal myopathy with posterior leg and anterior hand involvement. Also called: WILLIAMS DISTAL MYOPATHY. Identifiers: Orphanet 63273, MedGen C3279722, MONDO:0013550, OMIM 614065.
Hypertrophic cardiomyopathy 26. Also called: Cardiomyopathy, familial hypertrophic, 26. Identifiers: Orphanet 75249, MedGen C4310749, MONDO:0014883, OMIM 617047.
Myofibrillar myopathy 5. Also called: Filaminopathy (type); FILAMINOPATHY, AUTOSOMAL DOMINANT. Identifiers: Orphanet 171445, MedGen C1836050, MONDO:0012289, OMIM 609524.
Cardiovascular phenotype. Identifiers: MedGen CN230736.

Allele frequency attached by ClinVar (database versions not stated): TOPMed below 0.00001; gnomAD 0.00001.
gnomAD v4.1: 2 of 1,613,866 alleles (0.00012%); highest among the groups gnomAD compares: Admixed American, 0.0017%; no homozygotes.

Submissions (3):

Ambry Genetics
Classification: Uncertain significance for Cardiovascular phenotype. Last evaluated: 2025-04-14. Review status: criteria provided, single submitter. Criteria: Ambry Variant Classification Scheme 2023. Collection method: clinical testing. Allele origin: germline.
Comment: The p.D1000A variant (also known as c.2999A>C), located in coding exon 20 of the FLNC gene, results from an A to C substitution at nucleotide position 2999. The aspartic acid at codon 1000 is replaced by alanine, an amino acid with dissimilar properties. This amino acid position is well conserved in available vertebrate species; however, alanine is the reference amino acid in other vertebrate species. In addition, the in silico prediction for this alteration is inconclusive. Since supporting evidence is limited at this time, the clinical significance of this alteration remains unclear.

PreventionGenetics, part of Exact Sciences
Classification: Uncertain significance for FLNC-related condition. Last evaluated: 2022-11-09. Review status: criteria provided, single submitter. Criteria: ACMG Guidelines, 2015. Collection method: clinical testing. Allele origin: germline.
Comment: The FLNC c.2999A>C variant is predicted to result in the amino acid substitution p.Asp1000Ala. To our knowledge, this variant has not been reported in the literature. This variant is reported in 0.011% of alleles in individuals of African descent in gnomAD. At this time, the clinical significance of this variant is uncertain due to the absence of conclusive functional and genetic evidence.

Labcorp Genetics (formerly Invitae), Labcorp
Classification: Likely benign for Distal myopathy with posterior leg and anterior hand involvement; Myofibrillar myopathy 5; Hypertrophic cardiomyopathy 26. Last evaluated: 2022-02-24. Review status: criteria provided, single submitter. Criteria: Invitae Variant Classification Sherloc (09022015). Collection method: clinical testing. Allele origin: germline.